The following is an entry in ClinVar:

ClinVar aggregate classification (germline): Uncertain significance. Review status: criteria provided, multiple submitters, no conflicts (2 of 4 stars). 2 submissions from 2 submitters: Uncertain significance (2). Last evaluated 2025-09-24.

Conditions:
Hereditary cancer-predisposing syndrome. Also called: Hereditary neoplastic syndrome; Tumor predisposition; Neoplastic Syndromes, Hereditary; Hereditary Cancer Syndrome. Identifiers: Orphanet 140162, MedGen C0027672, MeSH D009386, MONDO:0015356.

Allele frequency attached by ClinVar (database versions not stated): gnomAD 0.00001; gnomAD exomes 0.00001; ExAC 0.00002.

Submissions (2):

Labcorp Genetics (formerly Invitae), Labcorp
Classification: Uncertain significance. Last evaluated: 2025-09-24. Review status: criteria provided, single submitter. Criteria: Invitae Variant Classification Sherloc (09022015). Collection method: clinical testing. Allele origin: germline.
Comment: This sequence change affects an acceptor splice site in intron 23 of the MSH3 gene. RNA analysis indicates that disruption of this splice site induces altered splicing and likely disrupts the C-terminus of the protein. This variant is present in population databases (rs779621335, gnomAD 0.02%). This variant has not been reported in the literature in individuals affected with MSH3-related conditions. ClinVar contains an entry for this variant (Variation ID: 1350173). Variants that disrupt the consensus splice site are a relatively common cause of aberrant splicing (PMID: 17576681, 9536098). Studies have shown that disruption of this splice site results in skipping of exon 24 and introduces a new termination codon (internal data). However the mRNA is not expected to undergo nonsense-mediated decay. In summary, the available evidence is currently insufficient to determine the role of this variant in disease. Therefore, it has been classified as a Variant of Uncertain Significance.

Ambry Genetics
Classification: Uncertain significance for Hereditary cancer-predisposing syndrome. Last evaluated: 2021-06-25. Review status: criteria provided, single submitter. Criteria: Ambry Variant Classification Scheme 2023. Collection method: clinical testing. Allele origin: germline.
Comment: The c.3303-1G>A intronic variant results from a G to A substitution one nucleotide upstream from coding exon 24 of the MSH3 gene. This alteration occurs at the 3' terminus of the MSH3 gene, is not expected to trigger nonsense-mediated mRNA decay, and only impacts the last 9.8%/112 AA of the protein. The exact functional effect of this alteration is unknown. This nucleotide position is highly conserved in available vertebrate species. In silico splice site analysis predicts that this alteration will weaken the native splice acceptor site. Since supporting evidence is limited at this time, the clinical significance of this alteration remains unclear.

Literature cited by the submitters: PubMed 17576681 (cited by Labcorp Genetics (formerly Invitae), Labcorp); PubMed 9536098 (cited by Labcorp Genetics (formerly Invitae), Labcorp).

NM_002439.5(MSH3):c.3303-1G>A

Gene: MSH3 (mutS homolog 3; plus strand). Cytogenetic location: 5q14.1.
Variant type: single nucleotide variant.
Coding change: c.3303-1G>A on transcript NM_002439.5 (MANE Select); the canonical splice acceptor site of the intron before coding-DNA position 3303, G replaced by A.
Molecular consequence: splice acceptor variant.
Genome position (GRCh38, 1-based): chr5:80,875,750, G>A. VCF-style: chr5-80875750-G-A. GRCh37 (hg19) VCF-style: chr5-80171569-G-A.
Identifiers: ClinVar variation 1350173 (VCV001350173.10), dbSNP rs779621335, ClinGen allele CA3328519.
Genomic context (GRCh38, chr5:80,875,750, plus strand): 5'-GAGACGTATTGTCTCCCAGCAATTTCATTTATTAAATAAGTAGTATTTGATTTTTCCCCA[G>A]AAAGAGACTCAAGTATTTTGCAAAGTTATGGACGATGCATAATGCACAAGACCTGCAGAA-3'